The following is an entry in ClinVar:

ClinVar aggregate classification (germline): Uncertain significance (1 of 4 stars; one submission).

Conditions:
Nemaline myopathy 2 (NEM2). Also called: Nemaline myopathy 2, autosomal recessive. Identifiers: MedGen C1850569, MONDO:0009725, OMIM 256030.

Allele frequency attached by ClinVar (database versions not stated): ExAC 0.00001; gnomAD exomes 0.00001; TOPMed 0.00001; gnomAD 0.00003; 1000 Genomes Project 30x 0.00031; 1000 Genomes Project 0.00040.
gnomAD v4.1: 8 of 1,613,988 alleles (0.0005%); highest among the groups gnomAD compares: African/African-American, 0.0067%; no homozygotes.

Submission:

Labcorp Genetics (formerly Invitae), Labcorp
Classification: Uncertain significance for Nemaline myopathy 2. Last evaluated: 2022-08-23. Review status: criteria provided, single submitter. Criteria: Invitae Variant Classification Sherloc (09022015). Collection method: clinical testing. Allele origin: germline.
Comment: This sequence change replaces threonine, which is neutral and polar, with isoleucine, which is neutral and non-polar, at codon 3570 of the NEB protein (p.Thr3570Ile). This variant is present in population databases (rs577573338, gnomAD 0.01%). This variant has not been reported in the literature in individuals affected with NEB-related conditions. Algorithms developed to predict the effect of missense changes on protein structure and function are either unavailable or do not agree on the potential impact of this missense change (SIFT: "Deleterious"; PolyPhen-2: "Not Available"; Align-GVGD: "Class C0"). In summary, the available evidence is currently insufficient to determine the role of this variant in disease. Therefore, it has been classified as a Variant of Uncertain Significance.

NM_001164508.2(NEB):c.10709C>T (p.Thr3570Ile)

Gene: NEB (nebulin; minus strand). Cytogenetic location: 2q23.3.
Variant type: single nucleotide variant.
Coding change: c.10709C>T on transcript NM_001164508.2 (MANE Select); coding-DNA position 10709, C replaced by T.
Protein change: p.Thr3570Ile; replaces threonine 3570 with isoleucine.
Molecular consequence: missense variant.
Genome position (GRCh38, 1-based): chr2:151,619,614, G>A on the plus strand (C>T on the coding strand, the complement: NEB is on the minus strand). VCF-style: chr2-151619614-G-A. GRCh37 (hg19) VCF-style: chr2-152476128-G-A.
Other names: c.9980C>T, p.Thr3327Ile (NM_004543.5); c.10709C>T, p.Thr3570Ile (NM_001164507.2, NM_001271208.2); short protein forms T3327I, T3570I.
Identifiers: ClinVar variation 2170870 (VCV002170870.1), dbSNP rs577573338, ClinGen allele CA1908966.